The following is an entry in ClinVar:

ClinVar aggregate classification (germline): Conflicting classifications of pathogenicity. Review status: criteria provided, conflicting classifications (1 of 4 stars). 3 submissions from 3 submitters: Uncertain significance (1); Benign (1); Likely benign (1). Last evaluated 2026-09-01.

Allele frequency attached by ClinVar (database versions not stated): ExAC 0.00009; gnomAD 0.00009; TOPMed 0.00009; 1000 Genomes Project 0.00040; 1000 Genomes Project 30x 0.00047.
gnomAD v4.1: 179 of 1,510,748 alleles (0.012%); highest among the groups gnomAD compares: South Asian, 0.018%; no homozygotes.

Submissions (3):

CeGaT Center for Human Genetics Tuebingen
Classification: Likely benign. Last evaluated: 2026-09-01. Review status: criteria provided, single submitter. Criteria: CeGaT Center For Human Genetics Tuebingen Variant Classification Criteria Version 2. Collection method: clinical testing. Allele origin: germline. Affected: yes. Observed: 1 variant allele.
Comment: KCNC3: PP3, BS2

GeneDx
Classification: Uncertain significance. Last evaluated: 2023-12-20. Review status: criteria provided, single submitter. Criteria: GeneDx Variant Classification Process June 2021. Collection method: clinical testing. Allele origin: germline. Affected: yes.
Comment: Published functional studies demonstrate the p.(G592R) variant reduces the affinity for Arp2/3 and cortactin, disrupts the actin structures at the neuronal growth cone, and results in an increase in TBK1 activity (PMID: 26997484, 33741962); In silico analysis supports that this missense variant does not alter protein structure/function; This variant is associated with the following publications: (PMID: 29949095, 34820911, 31666796, 35840565, 33508244, 26997484, 33741962, 37374132)

Labcorp Genetics (formerly Invitae), Labcorp
Classification: Benign. Last evaluated: 2023-09-08. Review status: criteria provided, single submitter. Criteria: Invitae Variant Classification Sherloc (09022015). Collection method: clinical testing. Allele origin: germline.

NM_004977.3(KCNC3):c.1774G>A (p.Gly592Arg)

Gene: KCNC3 (potassium voltage-gated channel subfamily C member 3; minus strand). Cytogenetic location: 19q13.33.
Variant type: single nucleotide variant.
Coding change: c.1774G>A on transcript NM_004977.3 (MANE Select); coding-DNA position 1774, G replaced by A.
Protein change: p.Gly592Arg; replaces glycine 592 with arginine.
Molecular consequence: missense variant.
Genome position (GRCh38, 1-based): chr19:50,323,179, C>T on the plus strand (G>A on the coding strand, the complement: KCNC3 is on the minus strand). VCF-style: chr19-50323179-C-T. GRCh37 (hg19) VCF-style: chr19-50826436-C-T.
Other names: c.1546G>A, p.Gly516Arg (NM_001372305.1); c.1774G>A (NM_004977.2); short protein forms G592R, G516R.
Identifiers: ClinVar variation 2742729 (VCV002742729.5), dbSNP rs568711737, ClinGen allele CA9594170.